The following is an entry in ClinVar:

ClinVar aggregate classification (germline): no classifications from unflagged records (0 of 4 stars; one submission).

Conditions:
Meier-Gorlin syndrome 5 (MGORS5). Identifiers: Orphanet 2554, MedGen C3151126, MONDO:0013432, OMIM 613805.

Submission:

OMIM
Classification: Pathogenic for MEIER-GORLIN SYNDROME 5. Last evaluated: 2025-01-24. Review status: flagged submission. Collection method: literature only. Allele origin: germline.
ClinVar note: Notes: Flagging candidate with reason of insufficient supporting evidence. This gene has been classified as having a limited gene-disease relationship by a ClinGen Expert Panel
ClinVar note: Reason: P/LP classification for a variant in a gene with insufficient evidence for a gene-disease relationship

Literature cited by the submitters: PubMed 35023948.

NM_001254.4(CDC6):c.230A>G (p.Lys77Arg)

Gene: CDC6 (cell division cycle 6; plus strand). Cytogenetic location: 17q21.2.
Variant type: single nucleotide variant.
Coding change: c.230A>G on transcript NM_001254.4 (MANE Select); coding-DNA position 230, A replaced by G.
Protein change: p.Lys77Arg; replaces lysine 77 with arginine.
Molecular consequence: missense variant.
Genome position (GRCh38, 1-based): chr17:40,291,109, A>G. VCF-style: chr17-40291109-A-G. GRCh37 (hg19) VCF-style: chr17-38447361-A-G.
Other names: short protein forms K77R.
Identifiers: ClinVar variation 3600315 (VCV003600315.1).